The following is an entry in ClinVar:

NM_001130009.3(GEN1):c.1354A>T (p.Ile452Phe)

Gene: GEN1 (GEN1 structure-specific endonuclease; plus strand). Cytogenetic location: 2p24.2.
Variant type: single nucleotide variant.
Coding change: c.1354A>T on transcript NM_001130009.3 (MANE Select); coding-DNA position 1354, A replaced by T.
Protein change: p.Ile452Phe; replaces isoleucine 452 with phenylalanine.
Molecular consequence: missense variant.
Genome position (GRCh38, 1-based): chr2:17,780,067, A>T. VCF-style: chr2-17780067-A-T. GRCh37 (hg19) VCF-style: chr2-17961334-A-T.
Other names: c.1354A>T, p.Ile452Phe (NM_182625.5); short protein forms I452F.
Identifiers: ClinVar variation 4844967 (VCV004844967.1).

ClinVar aggregate classification (germline): Uncertain significance (1 of 4 stars; one submission).

Submission:

Ambry Genetics
Classification: Uncertain significance. Last evaluated: 2026-01-22. Review status: criteria provided, single submitter. Criteria: Ambry Variant Classification Scheme 2023. Collection method: clinical testing. Allele origin: germline.
Comment: The p.I452F variant (also known as c.1354A>T), located in coding exon 12 of the GEN1 gene, results from an A to T substitution at nucleotide position 1354. The isoleucine at codon 452 is replaced by phenylalanine, an amino acid with highly similar properties. This amino acid position is conserved. In addition, this alteration is predicted to be tolerated by in silico analysis. Based on the available evidence, the clinical significance of this variant remains unclear.